The following is an entry in ClinVar:

NM_001375524.1(TRRAP):c.6871A>C (p.Ser2291Arg)

Gene: TRRAP (transformation/transcription domain associated protein; plus strand). Cytogenetic location: 7q22.1.
Variant type: single nucleotide variant.
Coding change: c.6871A>C on transcript NM_001375524.1 (MANE Select); coding-DNA position 6871, A replaced by C.
Protein change: p.Ser2291Arg; replaces serine 2291 with arginine.
Molecular consequence: missense variant.
Genome position (GRCh38, 1-based): chr7:98,964,670, A>C. VCF-style: chr7-98964670-A-C. GRCh37 (hg19) VCF-style: chr7-98562293-A-C.
Other names: c.6850A>C, p.Ser2284Arg (NM_001244580.2); c.6796A>C, p.Ser2266Arg (NM_003496.4); short protein forms S2266R, S2284R, S2291R.
Identifiers: ClinVar variation 2579024 (VCV002579024.25), dbSNP rs2484906576, ClinGen allele CA368288960.

ClinVar aggregate classification (germline): Uncertain significance (1 of 4 stars; one submission).

Submission:

CeGaT Center for Human Genetics Tuebingen
Classification: Uncertain significance. Last evaluated: 2023-07-01. Review status: criteria provided, single submitter. Criteria: CeGaT Center For Human Genetics Tuebingen Variant Classification Criteria Version 2. Collection method: clinical testing. Allele origin: germline. Affected: yes. Observed: 1 variant allele.
Comment: TRRAP: PM2